The following is an entry in ClinVar:

NM_005732.4(RAD50):c.2395C>G (p.Gln799Glu)

Gene: RAD50 (RAD50 double strand break repair protein; plus strand). Cytogenetic location: 5q31.1.
Variant type: single nucleotide variant.
Coding change: c.2395C>G on transcript NM_005732.4 (MANE Select); coding-DNA position 2395, C replaced by G.
Protein change: p.Gln799Glu; replaces glutamine 799 with glutamic acid.
Molecular consequence: missense variant.
Genome position (GRCh38, 1-based): chr5:132,603,487, C>G. VCF-style: chr5-132603487-C-G. GRCh37 (hg19) VCF-style: chr5-131939179-C-G.
Other names: short protein forms Q799E.
Identifiers: ClinVar variation 230754 (VCV000230754.12), dbSNP rs876658749, ClinGen allele CA10578566.

ClinVar aggregate classification (germline): Uncertain significance. Review status: criteria provided, multiple submitters, no conflicts (2 of 4 stars). 2 submissions from 2 submitters: Uncertain significance (2). Last evaluated 2025-06-30.

Conditions:
Hereditary cancer-predisposing syndrome. Also called: Neoplastic Syndromes, Hereditary; Tumor predisposition; Hereditary Cancer Syndrome; Hereditary neoplastic syndrome. Identifiers: Orphanet 140162, MedGen C0027672, MeSH D009386, MONDO:0015356.

Submissions (2):

Ambry Genetics
Classification: Uncertain significance for Hereditary cancer-predisposing syndrome. Last evaluated: 2025-06-30. Review status: criteria provided, single submitter. Criteria: Ambry Variant Classification Scheme 2023. Collection method: clinical testing. Allele origin: germline.
Comment: The p.Q799E variant (also known as c.2395C>G), located in coding exon 14 of the RAD50 gene, results from a C to G substitution at nucleotide position 2395. The glutamine at codon 799 is replaced by glutamic acid, an amino acid with highly similar properties. This amino acid position is well conserved in available vertebrate species. In addition, this alteration is predicted to be tolerated by in silico analysis. Since supporting evidence is limited at this time, the clinical significance of this alteration remains unclear.

Labcorp Genetics (formerly Invitae), Labcorp
Classification: Uncertain significance for Hereditary cancer-predisposing syndrome. Last evaluated: 2024-04-10. Review status: criteria provided, single submitter. Criteria: Invitae Variant Classification Sherloc (09022015). Collection method: clinical testing. Allele origin: germline.
Comment: This sequence change replaces glutamine, which is neutral and polar, with glutamic acid, which is acidic and polar, at codon 799 of the RAD50 protein (p.Gln799Glu). This variant is not present in population databases (gnomAD no frequency). This variant has not been reported in the literature in individuals affected with RAD50-related conditions. ClinVar contains an entry for this variant (Variation ID: 230754). An algorithm developed to predict the effect of missense changes on protein structure and function (PolyPhen-2) suggests that this variant is likely to be tolerated. In summary, the available evidence is currently insufficient to determine the role of this variant in disease. Therefore, it has been classified as a Variant of Uncertain Significance.